The following is an entry in ClinVar:

ClinVar aggregate classification (germline): Uncertain significance. Review status: criteria provided, multiple submitters, no conflicts (2 of 4 stars). 2 submissions from 2 submitters: Uncertain significance (2). Last evaluated 2026-01-19.

Allele frequency attached by ClinVar (database versions not stated): gnomAD exomes below 0.00001; ExAC 0.00001.
gnomAD v4.1: 2 of 1,211,532 alleles (0.00017%); highest among the groups gnomAD compares: Admixed American, 0.0022%; no homozygotes.

Submissions (2):

Labcorp Genetics (formerly Invitae), Labcorp
Classification: Uncertain significance. Last evaluated: 2026-01-19. Review status: criteria provided, single submitter. Criteria: Invitae Variant Classification Sherloc (09022015). Collection method: clinical testing. Allele origin: germline.
Comment: This sequence change replaces tryptophan, which is neutral and slightly polar, with cysteine, which is neutral and slightly polar, at codon 36 of the XK protein (p.Trp36Cys). The frequency data for this variant in the population databases is considered unreliable, as metrics indicate poor data quality at this position in the gnomAD database. This variant has not been reported in the literature in individuals affected with XK-related conditions. ClinVar contains an entry for this variant (Variation ID: 2096700). Invitae Evidence Modeling of protein sequence and biophysical properties (such as structural, functional, and spatial information, amino acid conservation, physicochemical variation, residue mobility, and thermodynamic stability) has been performed for this missense variant. However, the output from this modeling did not meet the statistical confidence thresholds required to predict the impact of this variant on XK protein function. In summary, the available evidence is currently insufficient to determine the role of this variant in disease. Therefore, it has been classified as a Variant of Uncertain Significance.

Women's Health and Genetics/Laboratory Corporation of America, LabCorp
Classification: Uncertain significance. Last evaluated: 2024-03-01. Review status: criteria provided, single submitter. Criteria: LabCorp Variant Classification Summary - May 2015. Collection method: clinical testing. Allele origin: germline.
Comment: Variant summary: XK c.108G>T (p.Trp36Cys) results in a non-conservative amino acid change in the encoded protein sequence. Four of five in-silico tools predict a damaging effect of the variant on protein function. The variant allele was found at a frequency of 5.6e-06 in 177572 control chromosomes. The available data on variant occurrences in the general population are insufficient to allow any conclusion about variant significance. To our knowledge, no occurrence of c.108G>T in individuals affected with McLeod Neuroacanthocytosis Syndrome and no experimental evidence demonstrating its impact on protein function have been reported. ClinVar contains an entry for this variant (Variation ID: 2096700). Based on the evidence outlined above, the variant was classified as uncertain significance.

NM_021083.4(XK):c.108G>T (p.Trp36Cys)

Gene: XK (X-linked Kx blood group antigen, Kell and VPS13A binding protein; plus strand). Cytogenetic location: Xp21.1.
Variant type: single nucleotide variant.
Coding change: c.108G>T on transcript NM_021083.4 (MANE Select); coding-DNA position 108, G replaced by T.
Protein change: p.Trp36Cys; replaces tryptophan 36 with cysteine.
Molecular consequence: missense variant.
Genome position (GRCh38, 1-based): chrX:37,686,069, G>T. VCF-style: chrX-37686069-G-T. GRCh37 (hg19) VCF-style: chrX-37545322-G-T.
Other names: short protein forms W36C.
Identifiers: ClinVar variation 2096700 (VCV002096700.6), dbSNP rs782030330, ClinGen allele CA10383515.